The following is an entry in ClinVar:

NM_003998.4(NFKB1):c.2649C>G (p.Thr883=)

Gene: NFKB1 (nuclear factor kappa B subunit 1; plus strand). Cytogenetic location: 4q24.
Variant type: single nucleotide variant.
Coding change: c.2649C>G on transcript NM_003998.4 (MANE Select); coding-DNA position 2649, C replaced by G.
Protein change: p.Thr883=; no amino-acid change (threonine 883 retained).
Molecular consequence: synonymous variant.
Genome position (GRCh38, 1-based): chr4:102,613,481, C>G. VCF-style: chr4-102613481-C-G. GRCh37 (hg19) VCF-style: chr4-103534638-C-G.
Other names: c.2646C>G, p.Thr882= (NM_001165412.2, NM_001319226.2, NM_001382627.1); c.2649C>G, p.Thr883= (NM_001382625.1, NM_001382626.1); c.2607C>G, p.Thr869= (NM_001382628.1).
Identifiers: ClinVar variation 3042484 (VCV003042484.3), dbSNP rs369470181, ClinGen allele CA440533432.

ClinVar aggregate classification (germline): Likely benign. Review status: criteria provided, single submitter (1 of 4 stars). 2 submissions from 2 submitters: Likely benign (1). 1 of the submissions does not count toward it. Last evaluated 2026-01-19.

Conditions:
NFKB1-related disorder. Also called: NFKB1-related condition.

gnomAD v4.1: 15 of 1,613,794 alleles (0.00093%); highest among the groups gnomAD compares: Non-Finnish European, 0.0013%; no homozygotes.

Submissions (2):

Labcorp Genetics (formerly Invitae), Labcorp
Classification: Likely benign. Last evaluated: 2026-01-19. Review status: criteria provided, single submitter. Criteria: Invitae Variant Classification Sherloc (09022015). Collection method: clinical testing. Allele origin: germline.

PreventionGenetics, part of Exact Sciences
Classification: Likely benign for NFKB1-related condition. Last evaluated: 2019-06-25. Review status: no assertion criteria provided. Collection method: clinical testing. Allele origin: germline. Not counted in ClinVar's aggregate classification.
Comment: This variant is classified as likely benign based on ACMG/AMP sequence variant interpretation guidelines (Richards et al. 2015 PMID: 25741868, with internal and published modifications).